The following is an entry in ClinVar:

NM_001164508.2(NEB):c.25095del (p.Phe8365fs)

Genes: NEB (nebulin; minus strand), RIF1 (replication timing regulatory factor 1; plus strand). Cytogenetic location: 2q23.3.
Variant type: Deletion.
Coding change: c.25095del on transcript NM_001164508.2 (MANE Select); coding-DNA position 25095, one base deleted (T; older notation c.25095delT).
Protein change: p.Phe8365fs; shifts the reading frame from phenylalanine 8365.
Molecular consequence: frameshift variant.
Genome position (GRCh38, 1-based): chr2:151,491,738, A deleted on the plus strand (T on the coding strand, the reverse complement: NEB is on the minus strand); the first of 5 consecutive A bases (chr2:151,491,738-151,491,742); deleting any one gives the same sequence. VCF-style (leftmost placement, unchanged base first): chr2-151491737-CA-C. GRCh37 (hg19) VCF-style: chr2-152348251-CA-C.
Other names: NM_001164508.2:c.25095del; c.25095del, p.Phe8365fs (NM_001164507.2); c.25200del, p.Phe8400fs (NM_001271208.2); c.19527del, p.Phe6509fs (NM_004543.5); short protein forms F6509fs, F8365fs, F8400fs.
Identifiers: ClinVar variation 3776958 (VCV003776958.1).

ClinVar aggregate classification (germline): Pathogenic (1 of 4 stars; one submission).

Conditions:
Nemaline myopathy. Also called: Myopathies, Nemaline. Identifiers: Orphanet 607, MedGen C0206157, MONDO:0018958.

Submission:

Broad Center for Mendelian Genomics, Broad Institute of MIT and Harvard
Classification: Pathogenic for Nemaline myopathy. Last evaluated: 2025-02-24. Review status: criteria provided, single submitter. Criteria: ACMG Guidelines, 2015. Collection method: curation. Allele origin: germline. Inheritance: Autosomal recessive inheritance.
Comment: The p.Phe8365Leufs variant in NEB has been reported, in the homozygous state, in one individual with nemaline myopathy (PMID: 12207938), and has been identified in 0.000085% (1/1171504) of European (non-Finnish) chromosomes by the Genome Aggregation Database (gnomAD). Although this variant has been seen in the general population in a heterozygous state, its frequency is low enough to be consistent with a recessive carrier frequency. It is of note that this variant occurs in a homopolymer repeat, which could indicate that it exists as an artifact from sequencing. However, disease-causing variants have been reported in homopolymer regions, so this is not enough to rule out a pathogenic role. This variant is predicted to cause a frameshift, which alters the protein‚Äôs amino acid sequence beginning at position 8365 and leads to a premature termination codon 17 amino acids downstream. This alteration is then predicted to lead to a truncated or absent protein. Loss of function of the NEB gene is an established disease mechanism in autosomal recessive nemaline myopathy. In summary, this variant meets criteria to be classified as pathogenic for autosomal recessive nemaline myopathy. ACMG/AMP Criteria applied: PVS1, PM2_supporting, PM3_supporting (Richards 2015).